The following is an entry in ClinVar:

NM_000506.5(F2):c.954dup (p.Glu319Ter)

Gene: F2 (coagulation factor II, thrombin; plus strand). Cytogenetic location: 11p11.2.
Variant type: Duplication.
Coding change: c.954dup on transcript NM_000506.5 (MANE Select); coding-DNA position 954, one base duplicated (T; older notation c.954dupT).
Protein change: p.Glu319Ter; replaces glutamic acid 319 with a stop codon.
Molecular consequence: nonsense.
Genome position (GRCh38, 1-based): chr11:46,726,577, T duplicated. VCF-style (leftmost placement, unchanged base first): chr11-46726576-G-GT. GRCh37 (hg19) VCF-style: chr11-46748126-G-GT.
Other names: short protein forms E319*.
Identifiers: ClinVar variation 2966946 (VCV002966946.3), dbSNP rs2502830519, ClinGen allele CA2740093720.

ClinVar aggregate classification (germline): Pathogenic (1 of 4 stars; one submission).

Conditions:
Congenital prothrombin deficiency. Also called: Factor II deficiency; Inherited hypoprothrombinemia; Congenital factor II deficiency; Inherited prothrombin deficiency; HYPOPROTHROMBINEMIA; Hereditary factor II deficiency disease. Identifiers: Orphanet 325, MedGen C0272317, MONDO:0013361, OMIM 613679.

Submission:

Labcorp Genetics (formerly Invitae), Labcorp
Classification: Pathogenic for Congenital prothrombin deficiency. Last evaluated: 2022-12-14. Review status: criteria provided, single submitter. Criteria: Invitae Variant Classification Sherloc (09022015). Collection method: clinical testing. Allele origin: germline.
Comment: For these reasons, this variant has been classified as Pathogenic. This sequence change creates a premature translational stop signal (p.Glu319*) in the F2 gene. It is expected to result in an absent or disrupted protein product. Loss-of-function variants in F2 are known to be pathogenic (PMID: 23852823). This variant is not present in population databases (gnomAD no frequency). This variant has not been reported in the literature in individuals affected with F2-related conditions. Algorithms developed to predict the effect of sequence changes on RNA splicing suggest that this variant may disrupt the consensus splice site.

Literature cited by the submitters: PubMed 23852823.